The following is an entry in ClinVar:

ClinVar aggregate classification (germline): Pathogenic (1 of 4 stars; one submission).

Conditions:
2-aminoadipic 2-oxoadipic aciduria (AAKAD). Also called: Aminoadipic aciduria; ALPHA-AMINOADIPIC AND ALPHA-KETOADIPIC ACIDURIA. Identifiers: Orphanet 79154, MedGen C1859817, MONDO:0008774, OMIM 204750.

Submission:

Labcorp Genetics (formerly Invitae), Labcorp
Classification: Pathogenic for 2-aminoadipic 2-oxoadipic aciduria. Last evaluated: 2022-09-20. Review status: criteria provided, single submitter. Criteria: Invitae Variant Classification Sherloc (09022015). Collection method: clinical testing. Allele origin: germline.
Comment: For these reasons, this variant has been classified as Pathogenic. This variant has not been reported in the literature in individuals affected with DHTKD1-related conditions. This variant is a gross deletion of the genomic region encompassing exon(s) 10 of the DHTKD1 gene. This deletion is out-of-frame, and is expected to create a premature termination codon and result in an absent or disrupted protein product. Loss-of-function variants in DHTKD1 are known to be pathogenic (PMID: 23141293, 25860818).

Literature cited by the submitters: PubMed 23141293; PubMed 25860818.

NC_000010.10:g.(?_12143021)_(12143200_?)del

Gene: DHTKD1 (dehydrogenase E1 and transketolase domain containing 1; plus strand). Cytogenetic location: 10p14.
Variant type: Deletion.
Identifiers: ClinVar variation 2426487 (VCV002426487.6).